The following is an entry in ClinVar:

NM_001369.3(DNAH5):c.12709G>A (p.Val4237Ile)

Gene: DNAH5 (dynein axonemal heavy chain 5; minus strand). Cytogenetic location: 5p15.2.
Variant type: single nucleotide variant.
Coding change: c.12709G>A on transcript NM_001369.3 (MANE Select); coding-DNA position 12709, G replaced by A.
Protein change: p.Val4237Ile; replaces valine 4237 with isoleucine.
Molecular consequence: missense variant.
Genome position (GRCh38, 1-based): chr5:13,716,687, C>T on the plus strand (G>A on the coding strand, the complement: DNAH5 is on the minus strand). VCF-style: chr5-13716687-C-T. GRCh37 (hg19) VCF-style: chr5-13716796-C-T.
Other names: short protein forms V4237I.
Identifiers: ClinVar variation 1765286 (VCV001765286.4), dbSNP rs138045391, ClinGen allele CA3201540.

ClinVar aggregate classification (germline): Conflicting classifications of pathogenicity. Review status: criteria provided, conflicting classifications (1 of 4 stars). 3 submissions from 3 submitters: Uncertain significance (1); Benign (1); Likely benign (1). Last evaluated 2025-11-22.

Conditions:
Primary ciliary dyskinesia. Also called: Ciliary dyskinesia. Identifiers: Orphanet 244, MedGen C0008780, MONDO:0016575, HP:0012265.
DNAH5-related disorder. Also called: DNAH5-related condition.

Allele frequency attached by ClinVar (database versions not stated): 1000 Genomes Project 0.00040; 1000 Genomes Project 30x 0.00047.
gnomAD v4.1: 205 of 1,609,960 alleles (0.013%); highest among the groups gnomAD compares: African/African-American, 0.12%; no homozygotes.

Submissions (3):

PreventionGenetics, part of Exact Sciences
Classification: Uncertain significance for DNAH5-related condition. Last evaluated: 2025-11-22. Review status: criteria provided, single submitter. Criteria: ACMG Guidelines, 2015. Collection method: clinical testing. Allele origin: germline.
Comment: The DNAH5 c.12709G>A variant is predicted to result in the amino acid substitution p.Val4237Ile. To our knowledge, this variant has not been reported in the literature. This variant is reported in 0.14% of alleles in individuals of African descent in gnomAD. Although we suspect that this variant may be benign, at this time, the clinical significance of this variant is uncertain due to the absence of conclusive functional and genetic evidence.

Labcorp Genetics (formerly Invitae), Labcorp
Classification: Benign for Primary ciliary dyskinesia. Last evaluated: 2024-02-14. Review status: criteria provided, single submitter. Criteria: Invitae Variant Classification Sherloc (09022015). Collection method: clinical testing. Allele origin: germline.

Ambry Genetics
Classification: Likely benign for Primary ciliary dyskinesia. Last evaluated: 2022-05-06. Review status: criteria provided, single submitter. Criteria: Ambry Variant Classification Scheme 2023. Collection method: clinical testing. Allele origin: germline.